The following is an entry in ClinVar:

ClinVar aggregate classification (germline): Pathogenic. Review status: criteria provided, multiple submitters, no conflicts (2 of 4 stars). 6 submissions from 6 submitters: Pathogenic (5). 1 of the submissions does not count toward it. Last evaluated 2024-06-07.

Conditions:
IFNGR1-related disorder. Also called: IFNGR1-related condition.
Disseminated atypical mycobacterial infection. Identifiers: MedGen C0694566.
Inherited Immunodeficiency Diseases. Identifiers: MedGen C5197805, MeSH D000081207.
Immunodeficiency 27A (IMD27A). Also called: IMMUNODEFICIENCY 27A, MYCOBACTERIOSIS, AUTOSOMAL RECESSIVE; IFNGR1 DEFICIENCY, AUTOSOMAL RECESSIVE. Identifiers: Orphanet 319569, Orphanet 99898, MedGen C4011949, MONDO:0008856, OMIM 209950.

Allele frequency attached by ClinVar (database versions not stated): ExAC 0.00001; gnomAD 0.00001; TOPMed 0.00001; gnomAD exomes 0.00002.

Submissions (6):

Labcorp Genetics (formerly Invitae), Labcorp
Classification: Pathogenic for Disseminated atypical mycobacterial infection. Last evaluated: 2024-06-07. Review status: criteria provided, single submitter. Criteria: Invitae Variant Classification Sherloc (09022015). Collection method: clinical testing. Allele origin: germline.
Comment: This sequence change creates a premature translational stop signal (p.Tyr175Metfs*2) in the IFNGR1 gene. It is expected to result in an absent or disrupted protein product. Loss-of-function variants in IFNGR1 are known to be pathogenic (PMID: 8960473, 9806040). This variant is present in population databases (rs749956849, gnomAD 0.003%). This premature translational stop signal has been observed in individual(s) with Mendelian susceptibility to mycobacterial disease (MSMD) due to interferon-gamma receptor 1 deficiency (PMID: 15589309, 19880337, 25216720). ClinVar contains an entry for this variant (Variation ID: 208588). For these reasons, this variant has been classified as Pathogenic.

Blueprint Genetics
Classification: Pathogenic for IFNGR1-related disorders. Last evaluated: 2023-08-22. Review status: criteria provided, single submitter. Criteria: ACMG Guidelines, 2015. Collection method: clinical testing. Allele origin: germline. Affected: yes. Observed: 4 variant alleles.

Revvity Omics, Revvity
Classification: Pathogenic. Last evaluated: 2019-10-01. Review status: criteria provided, single submitter. Criteria: ACMG Guidelines, 2015. Collection method: clinical testing. Allele origin: germline.

NIHR Bioresource Rare Diseases, University of Cambridge
Classification: Pathogenic for Inherited Immunodeficiency Diseases. Last evaluated: 2019-01-01. Review status: criteria provided, single submitter. Criteria: ACMG Guidelines, 2015. Collection method: research. Allele origin: germline. Affected: yes. Observed: 1 heterozygote.

Laboratory for Molecular Medicine, Mass General Brigham Personalized Medicine
Classification: Pathogenic for Disseminated atypical mycobacterial infection. Last evaluated: 2014-10-07. Review status: criteria provided, single submitter. Criteria: LMM Criteria. Collection method: clinical testing. Allele origin: germline. Inheritance: Autosomal recessive inheritance. Observed: 1 variant allele. Study: CSER-MedSeq.
Comment: The p.Tyr175MetfsX2 variant in IFNGR1 has been reported in 4 homozygous individuals with IFNGR1 deficiency (Koscielnak 2003, Dorman 2004, Marazzi 2010) and was absent from large population studies. This variant is predicted to cause a frameshift, which alters the protein’s amino acid sequence beginning at position 175 and leads to a premature termination codon 2 amino acids downstream. This alteration is then predicted to lead to a truncated or absent protein. In vivo functional studies indicate this variant results in the absence of surface IFNGR1 expression and diminished cellular response to interferon gamma (Koscielnak 2003). In summary, this variant meets our criteria to be classified as pathogenic for IFNGR1 deficiency in an autosomal recessive manner due to the predicted impact to the protein and functional data.

Department of Pathology and Laboratory Medicine, Sinai Health System
Classification: Pathogenic. Review status: no assertion criteria provided. Collection method: clinical testing. Allele origin: unknown. Affected: yes. Study: The Canadian Open Genetics Repository (COGR). Not counted in ClinVar's aggregate classification.
Comment: The IFNGR1 p.Y175Mfs*2 variant has been reported as a homozygous or compound heterozygous variant in 6 cases of mycobacterial infection susceptibility due to interferon gamma receptor deficiency (Khanolkar_2018_ PMID: 28927822; Olbrich_2015_PMID:26173802; Koscielniak_2003_PMID:12712974; Dorman_2004_PMID:15589309; Marazzi_2009_PMID:19880337). The variant was identified in dbSNP (ID: rs749956849) and ClinVar (classified as pathogenic by Invitae and Laboratory for Molecular Medicine). The variant was identified in control databases in 4 of 251312 chromosomes at a frequency of 0.00001592 (Genome Aggregation Database March 6, 2019, v2.1.1). The variant was observed in the European (non-Finnish) population in 4 of 113632 chromosomes (freq: 0.000035), but was not observed in the African, Latino, Ashkenazi Jewish, East Asian, European (Finnish), Other, or South Asian populations. The c.523del variant is predicted to cause a frameshift, which alters the protein's amino acid sequence beginning at codon 175 and leads to a premature stop codon 2 codons downstream. This alteration is then predicted to result in a truncated or absent protein and loss of function. Loss of function variants of the IFNGR1 gene are an established mechanism of disease in mycobacteriosis immunodeficiency and is the type of variant expected to cause the disorder. Further, functional data from a patient homozygous for this variant demonstrated a lack of interferon gamma receptor expression at the cell surface (Koscielniak_2003_PMID:12712974). In summary, based on the above information this variant meets our laboratoryâ€šÃ„Ã´s criteria to be classified as pathogenic.

Literature cited by the submitters: PubMed 8960473 (cited by Labcorp Genetics (formerly Invitae), Labcorp); PubMed 9806040 (cited by Labcorp Genetics (formerly Invitae), Labcorp); PubMed 15589309 (cited by Labcorp Genetics (formerly Invitae), Labcorp and Laboratory for Molecular Medicine, Mass General Brigham Personalized Medicine); PubMed 19880337 (cited by Labcorp Genetics (formerly Invitae), Labcorp and Laboratory for Molecular Medicine, Mass General Brigham Personalized Medicine); PubMed 25216720 (cited by Labcorp Genetics (formerly Invitae), Labcorp); PubMed 12712974 (cited by Laboratory for Molecular Medicine, Mass General Brigham Personalized Medicine).

NM_000416.3(IFNGR1):c.523del (p.Tyr175fs)

Gene: IFNGR1 (interferon gamma receptor 1; minus strand). Cytogenetic location: 6q23.3.
Variant type: Deletion.
Coding change: c.523del on transcript NM_000416.3 (MANE Select); coding-DNA position 523, one base deleted (T; older notation c.523delT).
Protein change: p.Tyr175fs; shifts the reading frame from tyrosine 175.
Molecular consequence: frameshift variant.
Genome position (GRCh38, 1-based): chr6:137,204,355, A deleted on the plus strand (T on the coding strand, the reverse complement: IFNGR1 is on the minus strand). VCF-style (leftmost placement, unchanged base first): chr6-137204354-TA-T. GRCh37 (hg19) VCF-style: chr6-137525491-TA-T.
Other names: c.493del, p.Tyr165fs (NM_001363526.1); c.400del, p.Tyr134fs (NM_001363527.1); c.523delT (NM_000416.2); short protein forms Y134fs, Y165fs, Y175fs.
Identifiers: ClinVar variation 208588 (VCV000208588.20), dbSNP rs749956849, ClinGen allele CA204565.
Genomic context (GRCh38, chr6:137,204,354, plus strand): 5'-CACAAGAATTTCCATTATGAAAAATGTGAAACACATACCTCACTTCCGTTCATTCTCACA[TA>T]CACATTGTACACCCTAATGTAACAGGTAGTTTCGGGATCATAATCGACTTCCTGCTCGTC-3'